The following is an entry in ClinVar:

ClinVar aggregate classification (germline): Uncertain significance (1 of 4 stars; one submission).

Allele frequency attached by ClinVar (database versions not stated): ExAC 0.00001.
gnomAD v4.1: 15 of 1,609,926 alleles (0.00093%); highest among the groups gnomAD compares: Admixed American, 0.01%; no homozygotes.

Submission:

Labcorp Genetics (formerly Invitae), Labcorp
Classification: Uncertain significance. Last evaluated: 2024-03-14. Review status: criteria provided, single submitter. Criteria: Invitae Variant Classification Sherloc (09022015). Collection method: clinical testing. Allele origin: germline.
Comment: This sequence change replaces glycine, which is neutral and non-polar, with arginine, which is basic and polar, at codon 778 of the LAMA1 protein (p.Gly778Arg). This variant is present in population databases (rs758289965, gnomAD 0.02%). This variant has not been reported in the literature in individuals affected with LAMA1-related conditions. ClinVar contains an entry for this variant (Variation ID: 1926513). An algorithm developed to predict the effect of missense changes on protein structure and function (PolyPhen-2) suggests that this variant is likely to be disruptive. In summary, the available evidence is currently insufficient to determine the role of this variant in disease. Therefore, it has been classified as a Variant of Uncertain Significance.

NM_005559.4(LAMA1):c.2332G>A (p.Gly778Arg)

Gene: LAMA1 (laminin subunit alpha 1; minus strand). Cytogenetic location: 18p11.31.
Variant type: single nucleotide variant.
Coding change: c.2332G>A on transcript NM_005559.4 (MANE Select); coding-DNA position 2332, G replaced by A.
Protein change: p.Gly778Arg; replaces glycine 778 with arginine.
Molecular consequence: missense variant.
Genome position (GRCh38, 1-based): chr18:7,026,049, C>T on the plus strand (G>A on the coding strand, the complement: LAMA1 is on the minus strand). VCF-style: chr18-7026049-C-T. GRCh37 (hg19) VCF-style: chr18-7026048-C-T.
Other names: short protein forms G778R.
Identifiers: ClinVar variation 1926513 (VCV001926513.5), dbSNP rs758289965, ClinGen allele CA8882680.
Genomic context (GRCh38, chr18:7,026,049, plus strand): 5'-CTATGGTGAGAGGGCAGGCGCAGGGCTGGCAGTCCCCAGGTGTCCCTCGGGAAGGCTCCC[C>T]GTAGAAGCCGGGCAAGCACTGCTCACAGTGGACGCCGGTGGTGTTGTGCGCACACGCCTA-3'
Protein context (NP_005550.2, residues 768-788): HCEQCLPGFY[Gly778Arg]EPSRGTPGDC